The following is an entry in ClinVar:

ClinVar aggregate classification (germline): Conflicting classifications of pathogenicity. Review status: criteria provided, conflicting classifications (1 of 4 stars). 3 submissions from 3 submitters: Uncertain significance (2); Benign (1). Last evaluated 2025-09-03.

Conditions:
Inborn genetic diseases. Identifiers: MedGen C0950123, MeSH D030342.
Spinocerebellar ataxia, autosomal recessive, with axonal neuropathy 2 (SCAN2). Also called: Ataxia-ocular apraxia-2; Ataxia with Oculomotor Apraxia Type 2; ATAXIA-OCULOMOTOR APRAXIA 2; Ataxia with Oculomotor Apraxia. Identifiers: Orphanet 64753, MedGen C1853761, MONDO:0018996, OMIM 606002.
Amyotrophic lateral sclerosis type 4 (ALS4). Also called: NEURONOPATHY, DISTAL HEREDITARY MOTOR, WITH PYRAMIDAL FEATURES; AMYOTROPHIC LATERAL SCLEROSIS 4, JUVENILE. Identifiers: Orphanet 357043, MedGen C1865409, MONDO:0011223, OMIM 602433.
SETX-related disorder. Also called: SETX-related disorders; SETX-related condition. Identifiers: MedGen CN239403.

Allele frequency attached by ClinVar (database versions not stated): gnomAD exomes 0.00001 and below 0.00001; TOPMed 0.00001; 1000 Genomes Project 30x 0.00016; 1000 Genomes Project 0.00020; gnomAD 0.00001.
gnomAD v4.1: 14 of 1,614,192 alleles (0.00087%); highest among the groups gnomAD compares: Admixed American, 0.01%; no homozygotes.

Submissions (3):

PreventionGenetics, part of Exact Sciences
Classification: Uncertain significance for SETX-related condition. Last evaluated: 2025-09-03. Review status: criteria provided, single submitter. Criteria: ACMG Guidelines, 2015. Collection method: clinical testing. Allele origin: germline.
Comment: The SETX c.4970A>G variant is predicted to result in the amino acid substitution p.Asn1657Ser. To our knowledge, this variant has not been reported in the literature. This variant is reported in 0.0033% of alleles in individuals of South Asian descent in gnomAD. At this time, the clinical significance of this variant is uncertain due to the absence of conclusive functional and genetic evidence.

Ambry Genetics
Classification: Uncertain significance for Inborn genetic diseases. Last evaluated: 2024-12-12. Review status: criteria provided, single submitter. Criteria: Ambry Variant Classification Scheme 2023. Collection method: clinical testing. Allele origin: germline.

Labcorp Genetics (formerly Invitae), Labcorp
Classification: Benign for Amyotrophic lateral sclerosis type 4; Spinocerebellar ataxia, autosomal recessive, with axonal neuropathy 2. Last evaluated: 2022-08-16. Review status: criteria provided, single submitter. Criteria: Invitae Variant Classification Sherloc (09022015). Collection method: clinical testing. Allele origin: germline.

NM_015046.7(SETX):c.4970A>G (p.Asn1657Ser)

Gene: SETX (senataxin; minus strand). Cytogenetic location: 9q34.13.
Variant type: single nucleotide variant.
Coding change: c.4970A>G on transcript NM_015046.7 (MANE Select); coding-DNA position 4970, A replaced by G.
Protein change: p.Asn1657Ser; replaces asparagine 1657 with serine.
Molecular consequence: missense variant.
Genome position (GRCh38, 1-based): chr9:132,326,628, T>C on the plus strand (A>G on the coding strand, the complement: SETX is on the minus strand). VCF-style: chr9-132326628-T-C. GRCh37 (hg19) VCF-style: chr9-135202015-T-C.
Other names: c.4970A>G, p.Asn1657Ser (NM_001351527.2, NM_001351528.2); short protein forms N1657S.
Identifiers: ClinVar variation 1361794 (VCV001361794.10), dbSNP rs567825753, ClinGen allele CA200806436.